The following is an entry in ClinVar:

ClinVar aggregate classification (germline): Likely benign (1 of 4 stars; one submission).

Allele frequency attached by ClinVar (database versions not stated): gnomAD 0.02396 and 0.02477; 1000 Genomes Project 30x 0.02514; 1000 Genomes Project 0.02556; TOPMed 0.03041.
gnomAD v4.1: 3,740 of 152,218 alleles (2.5%); highest among the groups gnomAD compares: Admixed American, 10%; 160 homozygotes.

Submission:

GeneDx
Classification: Likely benign. Last evaluated: 2018-06-16. Review status: criteria provided, single submitter. Criteria: GeneDx Variant Classification (06012015). Collection method: clinical testing. Allele origin: germline. Affected: yes.
Comment: This variant is considered likely benign or benign based on one or more of the following criteria: it is a conservative change, it occurs at a poorly conserved position in the protein, it is predicted to be benign by multiple in silico algorithms, and/or has population frequency not consistent with disease.

NM_000337.6(SGCD):c.502+246G>C

Gene: SGCD (sarcoglycan delta; plus strand). Cytogenetic location: 5q33.3.
Variant type: single nucleotide variant.
Coding change: c.502+246G>C on transcript NM_000337.6 (MANE Select); 246 bases into the intron after coding-DNA position 502, G replaced by C.
Molecular consequence: intron variant.
Genome position (GRCh38, 1-based): chr5:156,595,297, G>C. VCF-style: chr5-156595297-G-C. GRCh37 (hg19) VCF-style: chr5-156022307-G-C.
Other names: c.499+246G>C (NM_001128209.2); c.502+246G>C (NM_172244.3).
Identifiers: ClinVar variation 677260 (VCV000677260.1), dbSNP rs138502989, ClinGen allele CA130623711.